The following is an entry in ClinVar:

NM_000465.4(BARD1):c.716_732del (p.Leu239fs)

Gene: BARD1 (BRCA1 associated RING domain 1; minus strand). Cytogenetic location: 2q35.
Variant type: Deletion.
Coding change: c.716_732del on transcript NM_000465.4 (MANE Select); coding-DNA positions 716 to 732, 17 bases deleted (TGGTATCCTTCTGTAGC).
Protein change: p.Leu239fs; shifts the reading frame from leucine 239.
Molecular consequence: frameshift variant. On other transcripts: non-coding transcript variant (2), intron variant (3).
Genome position (GRCh38, 1-based): chr2:214,781,142-214,781,158, GCTACAGAAGGATACCA deleted on the plus strand (TGGTATCCTTCTGTAGC on the coding strand, the reverse complement: BARD1 is on the minus strand); deleting any 17 consecutive bases within chr2:214,781,142-214,781,161 gives the same sequence; the c. name uses the placement nearest the transcript's 3' end. VCF-style (leftmost placement, unchanged base first): chr2-214781141-GGCTACAGAAGGATACCA-G. GRCh37 (hg19) VCF-style: chr2-215645865-GGCTACAGAAGGATACCA-G.
Other names: c.659_675del, p.Leu220fs (NM_001282543.2); c.158+28254_158+28270del (NM_001282548.2); c.215+15903_215+15919del (NM_001282545.2); c.364+11139_364+11155del (NM_001282549.2); short protein forms L220fs, L239fs.
Identifiers: ClinVar variation 2583668 (VCV002583668.2), dbSNP rs2469509221, ClinGen allele CA2582342093.

ClinVar aggregate classification (germline): Pathogenic (1 of 4 stars; one submission).

Conditions:
Familial cancer of breast. Also called: Hereditary breast cancer; BREAST CANCER, FAMILIAL; hereditary breast carcinoma. Identifiers: Orphanet 227535, MedGen C0346153, MONDO:0016419, OMIM 114480. Disease mechanism: loss of function.

Submission:

Myriad Genetics, Inc.
Classification: Pathogenic for Familial cancer of breast. Last evaluated: 2023-05-19. Review status: criteria provided, single submitter. Criteria: Myriad Autosomal Dominant, Autosomal Recessive and X-Linked Classification Criteria (2023). Collection method: clinical testing. Allele origin: unknown.
Comment: This variant is considered pathogenic. This variant creates a frameshift predicted to result in premature protein truncation.